The following is an entry in ClinVar:

NM_001042492.3(NF1):c.1434del (p.Glu479fs)

Gene: NF1 (neurofibromin 1; plus strand). Cytogenetic location: 17q11.2.
Variant type: Deletion.
Coding change: c.1434del on transcript NM_001042492.3 (MANE Select); coding-DNA position 1434, one base deleted (A; older notation c.1434delA).
Protein change: p.Glu479fs; shifts the reading frame from glutamic acid 479.
Molecular consequence: frameshift variant.
Genome position (GRCh38, 1-based): chr17:31,214,492, A deleted; the last of 3 consecutive A bases (chr17:31,214,490-31,214,492); deleting any one gives the same sequence. VCF-style (leftmost placement, unchanged base first): chr17-31214489-TA-T. GRCh37 (hg19) VCF-style: chr17-29541507-TA-T.
Other names: c.1434del, p.Glu479fs (NM_000267.4, NM_001128147.3); short protein forms E479fs.
Identifiers: ClinVar variation 4860917 (VCV004860917.1).

ClinVar aggregate classification (germline): Pathogenic (1 of 4 stars; one submission).

Conditions:
Cardiovascular phenotype. Identifiers: MedGen CN230736.
Hereditary cancer-predisposing syndrome. Also called: Neoplastic Syndromes, Hereditary; Tumor predisposition; Hereditary Cancer Syndrome; Hereditary neoplastic syndrome. Identifiers: Orphanet 140162, MedGen C0027672, MeSH D009386, MONDO:0015356.

Submission:

Ambry Genetics
Classification: Pathogenic for Cardiovascular phenotype; Hereditary cancer-predisposing syndrome. Last evaluated: 2026-04-24. Review status: criteria provided, single submitter. Criteria: Ambry Variant Classification Scheme 2023. Collection method: clinical testing. Allele origin: germline.
Comment: The c.1434delA pathogenic mutation, located in coding exon 13 of the NF1 gene, results from a deletion of one nucleotide at nucleotide position 1434, causing a translational frameshift with a predicted alternate stop codon (p.E479Kfs*19). This variant was reported in individual(s) with features consistent with Neurofibromatosis type 1 (Ambry internal data). This variant is considered to be rare based on population cohorts in the Genome Aggregation Database (gnomAD). This alteration is expected to result in loss of function by premature protein truncation or nonsense-mediated mRNA decay. As such, this alteration is interpreted as a disease-causing mutation.